The following is an entry in ClinVar:

NM_000094.4(COL7A1):c.3144C>A (p.Cys1048Ter)

Gene: COL7A1 (collagen type VII alpha 1 chain; minus strand). Cytogenetic location: 3p21.31.
Variant type: single nucleotide variant.
Coding change: c.3144C>A on transcript NM_000094.4 (MANE Select); coding-DNA position 3144, C replaced by A.
Protein change: p.Cys1048Ter; replaces cysteine 1048 with a stop codon.
Molecular consequence: nonsense.
Genome position (GRCh38, 1-based): chr3:48,587,104, G>T on the plus strand (C>A on the coding strand, the complement: COL7A1 is on the minus strand). VCF-style: chr3-48587104-G-T. GRCh37 (hg19) VCF-style: chr3-48624537-G-T.
Other names: short protein forms C1048*.
Identifiers: ClinVar variation 2801774 (VCV002801774.3), dbSNP rs760945786, ClinGen allele CA2380619.

ClinVar aggregate classification (germline): Pathogenic (1 of 4 stars; one submission).

Allele frequency attached by ClinVar (database versions not stated): TOPMed 0.00001; ExAC 0.00002.
gnomAD v4.1: 3 of 1,612,874 alleles (0.00019%); highest among the groups gnomAD compares: Non-Finnish European, 0.00025%; no homozygotes.

Submission:

Labcorp Genetics (formerly Invitae), Labcorp
Classification: Pathogenic. Last evaluated: 2023-07-03. Review status: criteria provided, single submitter. Criteria: Invitae Variant Classification Sherloc (09022015). Collection method: clinical testing. Allele origin: germline.
Comment: This variant has not been reported in the literature in individuals affected with COL7A1-related conditions. For these reasons, this variant has been classified as Pathogenic. The frequency data for this variant in the population databases is considered unreliable, as metrics indicate poor data quality at this position in the gnomAD database. This sequence change creates a premature translational stop signal (p.Cys1048*) in the COL7A1 gene. It is expected to result in an absent or disrupted protein product. Loss-of-function variants in COL7A1 are known to be pathogenic (PMID: 16971478).

Literature cited by the submitters: PubMed 16971478.